The following is an entry in ClinVar:

NR_001566.3(TERC):n.58G>A

Genes: TERC (telomerase RNA component; minus strand), LOC110806306 (telomerase RNA component (TERC) promoter; plus strand). Cytogenetic location: 3q26.2.
Variant type: single nucleotide variant.
Genome position: GRCh38 VCF-style: chr3-169765003-C-T. GRCh37 (hg19) VCF-style: chr3-169482791-C-T.
Other names: 58G-A; NR_001566.1:r.58g>a (G58A).
Identifiers: ClinVar variation 7323 (VCV000007323.32), dbSNP rs113487931, ClinGen allele CA118713.

ClinVar aggregate classification (germline): Benign/Likely benign. Review status: criteria provided, multiple submitters, no conflicts (2 of 4 stars). 9 submissions from 9 submitters: Benign (4); Likely benign (1). 4 of the submissions do not count toward it. Last evaluated 2026-02-03.

Conditions:
Pulmonary fibrosis and/or bone marrow failure, Telomere-related, 2. Also called: PULMONARY FIBROSIS AND/OR BONE MARROW FAILURE SYNDROME, TELOMERE-RELATED, 2. Identifiers: Orphanet 88, MedGen C3553622, MONDO:0013879, OMIM 614743.
Dyskeratosis congenita, autosomal dominant 1 (DKCA1). Also called: Dyskeratosis congenita Scoggins type. Identifiers: Orphanet 1775, MedGen C4551974, MONDO:0007485, OMIM 127550. Inheritance: Variable.
Aplastic anemia. Identifiers: Orphanet 182040, Orphanet 88, MedGen C0002874, MONDO:0015909, OMIM 609135, HP:0001915.

Allele frequency attached by ClinVar (database versions not stated): gnomAD exomes 0.00378; ExAC 0.00448; gnomAD 0.01607 and 0.01733; 1000 Genomes Project 0.01757; TOPMed 0.01818; 1000 Genomes Project 30x 0.01874.
gnomAD v4.1: 3,665 of 765,446 alleles (0.48%); highest among the groups gnomAD compares: African/African-American, 5.5%; 76 homozygotes.

Submissions (9):

Labcorp Genetics (formerly Invitae), Labcorp
Classification: Benign for Dyskeratosis congenita, autosomal dominant 1. Last evaluated: 2026-02-03. Review status: criteria provided, single submitter. Criteria: Invitae Variant Classification Sherloc (09022015). Collection method: clinical testing. Allele origin: germline.

ARUP Laboratories, Molecular Genetics and Genomics, ARUP Laboratories
Classification: Benign. Last evaluated: 2025-01-13. Review status: criteria provided, single submitter. Criteria: ARUP Molecular Germline Variant Investigation Process 2024. Collection method: clinical testing. Allele origin: germline.

Fulgent Genetics
Classification: Likely benign for Dyskeratosis congenita, autosomal dominant 1; Pulmonary fibrosis and/or bone marrow failure, Telomere-related, 2. Last evaluated: 2022-04-08. Review status: criteria provided, single submitter. Criteria: ACMG Guidelines, 2015. Collection method: clinical testing. Allele origin: unknown.

Laboratory for Molecular Medicine, Mass General Brigham Personalized Medicine
Classification: Benign. Last evaluated: 2017-12-26. Review status: criteria provided, single submitter. Criteria: LMM Criteria. Collection method: clinical testing. Allele origin: germline. Observed: 2 variant alleles.
Comment: c.58G>A in TERC: This variant is not expected to have clinical significance beca use it has been identified in 5.6% (1269/22484) of African chromosomes by the Ge nome Aggregation Database (gnomAD; dbSNP rs113 4787931). In addition, in vitro functional assays of telomerase activity show no loss of function with this variant (Ly 2003, Marrone 2004). ACMG/AMP Criteria a pplied: BA1, BS3.

GeneDx
Classification: Benign. Last evaluated: 2016-04-27. Review status: criteria provided, single submitter. Criteria: GeneDx Variant Classification (06012015). Collection method: clinical testing. Allele origin: germline. Affected: yes.
Comment: This variant is considered likely benign or benign based on one or more of the following criteria: it is a conservative change, it occurs at a poorly conserved position in the protein, it is predicted to be benign by multiple in silico algorithms, and/or has population frequency not consistent with disease.

GeneReviews
Classification: Pathogenic for Dyskeratosis Congenita. Last evaluated: 2012-05-10. Review status: no assertion criteria provided. Collection method: curation. Allele origin: unknown. Not counted in ClinVar's aggregate classification.
ClinVar note: Converted during submission from pathologic to Pathogenic.

OMIM
Classification: Pathogenic for PULMONARY FIBROSIS AND/OR BONE MARROW FAILURE SYNDROME, TELOMERE-RELATED, 2. Last evaluated: 2002-06-22. Review status: no assertion criteria provided. Collection method: literature only. Allele origin: germline. Not counted in ClinVar's aggregate classification.

Genome Diagnostics Laboratory, University Medical Center Utrecht
Classification: Likely benign. Review status: no assertion criteria provided. Collection method: clinical testing. Allele origin: germline. Affected: yes. Study: VKGL Data-share Consensus. Not counted in ClinVar's aggregate classification.

Joint Genome Diagnostic Labs from Nijmegen and Maastricht, Radboudumc and MUMC+
Classification: Likely benign. Review status: no assertion criteria provided. Collection method: clinical testing. Allele origin: germline. Affected: yes. Study: VKGL Data-share Consensus. Not counted in ClinVar's aggregate classification.

Literature cited by the submitters: PubMed 12090986 (cited by Laboratory for Molecular Medicine, Mass General Brigham Personalized Medicine and OMIM); PubMed 12676774 (cited by Laboratory for Molecular Medicine, Mass General Brigham Personalized Medicine); PubMed 15319288 (cited by Laboratory for Molecular Medicine, Mass General Brigham Personalized Medicine); PubMed 12972604 (cited by Laboratory for Molecular Medicine, Mass General Brigham Personalized Medicine).